The following is an entry in ClinVar:

NM_001357.5(DHX9):c.3586_3600del (p.1191SGGYG[1])

Gene: DHX9 (DExH-box helicase 9; plus strand). Cytogenetic location: 1q25.3.
Variant type: Deletion.
Coding change: c.3586_3600del on transcript NM_001357.5 (MANE Select); coding-DNA positions 3586 to 3600, 15 bases deleted (AGCGGAGGCTATGGT).
Protein change: p.1191SGGYG[1].
Molecular consequence: inframe deletion. On other transcripts: non-coding transcript variant (1).
Genome position (GRCh38, 1-based): chr1:182,887,207-182,887,221, AGCGGAGGCTATGGT deleted; deleting any 15 consecutive bases within chr1:182,887,195-182,887,221 gives the same sequence; the c. name uses the placement nearest the transcript's 3' end. VCF-style (leftmost placement, unchanged base first): chr1-182887194-TGGAGGCTATGGTAGC-T. GRCh37 (hg19) VCF-style: chr1-182856329-TGGAGGCTATGGTAGC-T.
Identifiers: ClinVar variation 3904775 (VCV003904775.10).

ClinVar aggregate classification (germline): Likely benign (1 of 4 stars; one submission).

Submission:

CeGaT Center for Human Genetics Tuebingen
Classification: Likely benign. Last evaluated: 2026-07-01. Review status: criteria provided, single submitter. Criteria: CeGaT Center For Human Genetics Tuebingen Variant Classification Criteria Version 2. Collection method: clinical testing. Allele origin: germline. Affected: yes. Observed: 5 variant alleles.
Comment: DHX9: PM4, BS1